The following is an entry in ClinVar:

ClinVar aggregate classification (germline): Uncertain significance (1 of 4 stars; one submission).

Submission:

Labcorp Genetics (formerly Invitae), Labcorp
Classification: Uncertain significance. Last evaluated: 2021-06-06. Review status: criteria provided, single submitter. Criteria: Invitae Variant Classification Sherloc (09022015). Collection method: clinical testing. Allele origin: germline.
Comment: This variant, c.1424_1426del, results in the deletion of 1 amino acid(s) of the IFT81 protein (p.Val475del), but otherwise preserves the integrity of the reading frame. This variant is not present in population databases (ExAC no frequency). This variant has not been reported in the literature in individuals with IFT81-related conditions. Experimental studies and prediction algorithms are not available or were not evaluated, and the functional significance of this variant is currently unknown. In summary, the available evidence is currently insufficient to determine the role of this variant in disease. Therefore, it has been classified as a Variant of Uncertain Significance.

NM_014055.4(IFT81):c.1424_1426del (p.Val475del)

Gene: IFT81 (intraflagellar transport 81; plus strand). Cytogenetic location: 12q24.11.
Variant type: Deletion.
Coding change: c.1424_1426del on transcript NM_014055.4 (MANE Select); coding-DNA positions 1424 to 1426, 3 bases deleted (TTG; older notation c.1424_1426delTTG).
Protein change: p.Val475del; deletes valine 475.
Molecular consequence: inframe deletion. On other transcripts: non-coding transcript variant (4).
Genome position (GRCh38, 1-based): chr12:110,191,005-110,191,007, TTG deleted; deleting any 3 consecutive bases within chr12:110,191,004-110,191,007 gives the same sequence; the c. name uses the placement nearest the transcript's 3' end. VCF-style (leftmost placement, unchanged base first): chr12-110191003-AGTT-A. GRCh37 (hg19) VCF-style: chr12-110628808-AGTT-A.
Other names: c.1424_1426del, p.Val475del (NM_001143779.2); c.494_496del, p.Val165del (NM_001347947.2, NM_001347948.2); short protein forms V165del, V475del.
Identifiers: ClinVar variation 1463771 (VCV001463771.8), dbSNP rs2137545921, ClinGen allele CA2573147942.